The following is an entry in ClinVar:

NM_015040.4(PIKFYVE):c.1861C>T (p.Gln621Ter)

Gene: PIKFYVE (phosphoinositide kinase, FYVE-type zinc finger containing; plus strand). Cytogenetic location: 2q34.
Variant type: single nucleotide variant.
Coding change: c.1861C>T on transcript NM_015040.4 (MANE Select); coding-DNA position 1861, C replaced by T.
Protein change: p.Gln621Ter; replaces glutamine 621 with a stop codon.
Molecular consequence: nonsense.
Genome position (GRCh38, 1-based): chr2:208,315,227, C>T. VCF-style: chr2-208315227-C-T. GRCh37 (hg19) VCF-style: chr2-209179951-C-T.
Other names: short protein forms Q621*.
Identifiers: ClinVar variation 5019859 (VCV005019859.2).

ClinVar aggregate classification (germline): Likely pathogenic (1 of 4 stars; one submission).

Conditions:
Fleck corneal dystrophy (CFD). Also called: CORNEAL DYSTROPHY, FRANCOIS-NEETENS SPECKLED OR FLECKED. Identifiers: Orphanet 98970, MedGen C1562113, MONDO:0007376, OMIM 121850.

Submission:

Juno Genomics, Hangzhou Juno Genomics, Inc
Classification: Likely pathogenic for Fleck corneal dystrophy. Review status: criteria provided, single submitter. Criteria: ACMG Guidelines, 2015. Collection method: clinical testing. Allele origin: germline.
Comment: Absent from controls (or at extremely low frequency if recessive) in Genome Aggregation Database.;Null variant in a gene where loss of function (LOF) is a known mechanism of disease.